The following is an entry in ClinVar:

ClinVar aggregate classification (germline): Conflicting classifications of pathogenicity. Review status: criteria provided, conflicting classifications (1 of 4 stars). 2 submissions from 2 submitters: Uncertain significance (1); Likely benign (1). Last evaluated 2026-04-14.

Conditions:
Familial intrahepatic cholestasis. Identifiers: Orphanet 284385, MedGen CN296401, MONDO:0017290.

Allele frequency attached by ClinVar (database versions not stated): TOPMed below 0.00001.
gnomAD v4.1: 7 of 1,613,112 alleles (0.00043%); highest among the groups gnomAD compares: Non-Finnish European, 0.00059%; no homozygotes.

Submissions (2):

Genomenon, Inc
Classification: Uncertain significance for Familial intrahepatic cholestasis. Last evaluated: 2026-04-14. Review status: criteria provided, single submitter. Criteria: Genomenon Sequence Variant Interpretation Standards - Updated. Collection method: curation. Allele origin: germline. Affected: no.
Comment: ATP8B1 c.2707+9T>G is an intronic variant located in intron 22. This variant has been reported in the published literature (PMID:24260417). It is absent or not present at a significant frequency in gnomAD. In conclusion, we classify ATP8B1 c.2707+9T>G as a variant of uncertain significance.

Labcorp Genetics (formerly Invitae), Labcorp
Classification: Likely benign. Last evaluated: 2025-12-14. Review status: criteria provided, single submitter. Criteria: Invitae Variant Classification Sherloc (09022015). Collection method: clinical testing. Allele origin: germline.

Literature cited by the submitters: PubMed 24260417 (cited by Genomenon, Inc).

NM_001374385.1(ATP8B1):c.2707+9T>G

Genes: ATP8B1 (ATPase phospholipid transporting 8B1; minus strand), ATP8B1-AS1 (ATP8B1 antisense RNA 1; plus strand). Cytogenetic location: 18q21.31.
Variant type: single nucleotide variant.
Coding change: c.2707+9T>G on transcript NM_001374385.1 (MANE Select); 9 bases into the intron after coding-DNA position 2707, T replaced by G.
Molecular consequence: intron variant.
Genome position (GRCh38, 1-based): chr18:57,661,165, A>C on the plus strand (T>G on the coding strand, the complement: ATP8B1 is on the minus strand). VCF-style: chr18-57661165-A-C. GRCh37 (hg19) VCF-style: chr18-55328397-A-C.
Other names: c.2707+9T>G (NM_005603.6); c.2557+9T>G (NM_001374386.1).
Identifiers: ClinVar variation 2867690 (VCV002867690.4), dbSNP rs758888388, ClinGen allele CA8974197.
Genomic context (GRCh38, chr18:57,661,165, plus strand): 5'-CCCTACACATTCCAGCCATTTCTCCTCTCTAGCACGTTGGGCCTCACTGGCCGTGGGTGC[A>C]TGACTCACTTTTGATCATGTTCACGTCATTGGCCCCATCTCCGATGGCCAGCGTGATGGC-3'